The following is an entry in ClinVar:

NM_004036.5(ADCY3):c.1682C>T (p.Pro561Leu)

Gene: ADCY3 (adenylate cyclase 3; minus strand). Cytogenetic location: 2p23.3.
Variant type: single nucleotide variant.
Coding change: c.1682C>T on transcript NM_004036.5 (MANE Select); coding-DNA position 1682, C replaced by T.
Protein change: p.Pro561Leu; replaces proline 561 with leucine.
Molecular consequence: missense variant.
Genome position (GRCh38, 1-based): chr2:24,834,917, G>A on the plus strand (C>T on the coding strand, the complement: ADCY3 is on the minus strand). VCF-style: chr2-24834917-G-A. GRCh37 (hg19) VCF-style: chr2-25057786-G-A.
Other names: c.1682C>T, p.Pro561Leu (NM_001320613.2, NM_001377129.1, NM_001377130.1 and 1 more transcripts); c.1748C>T, p.Pro583Leu (NM_001377128.1); c.959C>T, p.Pro320Leu (NM_001377131.1); short protein forms P320L, P561L, P583L.
Identifiers: ClinVar variation 4987893 (VCV004987893.1).

ClinVar aggregate classification (germline): Uncertain significance (1 of 4 stars; one submission).

Conditions:
ADCY3-related disorder. Also called: ADCY3-related condition.

Submission:

PreventionGenetics, part of Exact Sciences
Classification: Uncertain significance for ADCY3-related condition. Last evaluated: 2026-08-13. Review status: criteria provided, single submitter. Criteria: ACMG Guidelines, 2015. Collection method: clinical testing. Allele origin: germline.
Comment: The ADCY3 c.1682C>T variant is predicted to result in the amino acid substitution p.Pro561Leu. To our knowledge, this variant has not been reported in the literature or in a large population database (gnomAD), indicating this variant is rare. At this time, the clinical significance of this variant is uncertain due to the absence of conclusive functional and genetic evidence.